The following is an entry in ClinVar:

NM_001042517.2(DIAPH3):c.3439G>A (p.Gly1147Arg)

Gene: DIAPH3 (diaphanous related formin 3; minus strand). Cytogenetic location: 13q21.2.
Variant type: single nucleotide variant.
Coding change: c.3439G>A on transcript NM_001042517.2 (MANE Select); coding-DNA position 3439, G replaced by A.
Protein change: p.Gly1147Arg; replaces glycine 1147 with arginine.
Molecular consequence: missense variant.
Genome position (GRCh38, 1-based): chr13:59,666,727, C>T on the plus strand (G>A on the coding strand, the complement: DIAPH3 is on the minus strand). VCF-style: chr13-59666727-C-T. GRCh37 (hg19) VCF-style: chr13-60240861-C-T.
Other names: c.3439G>A (NM_001042517.1); c.3406G>A, p.Gly1136Arg (NM_001258366.2); c.3301G>A, p.Gly1101Arg (NM_001258367.2); c.3229G>A, p.Gly1077Arg (NM_001258368.2); short protein forms G1101R, G1136R, G1077R, G1147R.
Identifiers: ClinVar variation 2965723 (VCV002965723.4), dbSNP rs781650639, ClinGen allele CA6996033.

ClinVar aggregate classification (germline): Uncertain significance. Review status: criteria provided, multiple submitters, no conflicts (2 of 4 stars). 2 submissions from 2 submitters: Uncertain significance (2). Last evaluated 2025-08-05.

Allele frequency attached by ClinVar (database versions not stated): ExAC 0.00001; TOPMed 0.00001; gnomAD exomes 0.00002.
gnomAD v4.1: 13 of 1,614,122 alleles (0.00081%); highest among the groups gnomAD compares: Admixed American, 0.017%; no homozygotes.

Submissions (2):

Ambry Genetics
Classification: Uncertain significance. Last evaluated: 2025-08-05. Review status: criteria provided, single submitter. Criteria: Ambry Variant Classification Scheme 2023. Collection method: clinical testing. Allele origin: germline.

Labcorp Genetics (formerly Invitae), Labcorp
Classification: Uncertain significance. Last evaluated: 2025-01-20. Review status: criteria provided, single submitter. Criteria: Invitae Variant Classification Sherloc (09022015). Collection method: clinical testing. Allele origin: germline.
Comment: This sequence change replaces glycine, which is neutral and non-polar, with arginine, which is basic and polar, at codon 1147 of the DIAPH3 protein (p.Gly1147Arg). This variant is present in population databases (rs781650639, gnomAD 0.03%). This variant has not been reported in the literature in individuals affected with DIAPH3-related conditions. ClinVar contains an entry for this variant (Variation ID: 2965723). An algorithm developed to predict the effect of missense changes on protein structure and function outputs the following: PolyPhen-2: "Benign". The arginine amino acid residue is found in multiple mammalian species, which suggests that this missense change does not adversely affect protein function. In summary, the available evidence is currently insufficient to determine the role of this variant in disease. Therefore, it has been classified as a Variant of Uncertain Significance.